The following is an entry in ClinVar:

NM_000051.4(ATM):c.2620G>T (p.Glu874Ter)

Gene: ATM (ATM serine/threonine kinase; plus strand). Cytogenetic location: 11q22.3.
Variant type: single nucleotide variant.
Coding change: c.2620G>T on transcript NM_000051.4 (MANE Select); coding-DNA position 2620, G replaced by T.
Protein change: p.Glu874Ter; replaces glutamic acid 874 with a stop codon.
Molecular consequence: nonsense.
Genome position (GRCh38, 1-based): chr11:108,267,324, G>T. VCF-style: chr11-108267324-G-T. GRCh37 (hg19) VCF-style: chr11-108138051-G-T.
Other names: c.2620G>T, p.Glu874Ter (NM_001351834.2); short protein forms E874*.
Identifiers: ClinVar variation 575999 (VCV000575999.10), dbSNP rs1565416901, ClinGen allele CA382544261.

ClinVar aggregate classification (germline): Pathogenic/Likely pathogenic. Review status: criteria provided, multiple submitters, no conflicts (2 of 4 stars). 5 submissions from 5 submitters: Pathogenic (3); Likely pathogenic (2). Last evaluated 2026-04-13.

Conditions:
Familial cancer of breast. Also called: hereditary breast carcinoma; Hereditary breast cancer; BREAST CANCER, FAMILIAL. Identifiers: Orphanet 227535, MedGen C0346153, MONDO:0016419, OMIM 114480. Disease mechanism: loss of function.
Hereditary cancer-predisposing syndrome. Also called: Tumor predisposition; Hereditary Cancer Syndrome; Neoplastic Syndromes, Hereditary; Hereditary neoplastic syndrome. Identifiers: Orphanet 140162, MedGen C0027672, MeSH D009386, MONDO:0015356.
Ataxia-telangiectasia syndrome (AT). Also called: LOUIS-BAR SYNDROME; Ataxia-telangiectasia, complementation group E; Cerebello-oculocutaneous telangiectasia; Immunodeficiency with ataxia telangiectasia; Ataxia-telangiectasia, complementation group D; AT, COMPLEMENTATION GROUP C. Identifiers: Orphanet 100, MedGen C0004135, MONDO:0008840, OMIM 208900.

Submissions (5):

Ambry Genetics
Classification: Pathogenic for Hereditary cancer-predisposing syndrome. Last evaluated: 2026-04-13. Review status: criteria provided, single submitter. Criteria: Ambry Variant Classification Scheme 2023. Collection method: clinical testing. Allele origin: germline.
Comment: The p.E874* pathogenic mutation (also known as c.2620G>T), located in coding exon 16 of the ATM gene, results from a G to T substitution at nucleotide position 2620. This changes the amino acid from a glutamic acid to a stop codon within coding exon 16. This variant is considered to be rare based on population cohorts in the Genome Aggregation Database (gnomAD). This alteration is expected to result in loss of function by premature protein truncation or nonsense-mediated mRNA decay. As such, this alteration is interpreted as a disease-causing mutation.

Labcorp Genetics (formerly Invitae), Labcorp
Classification: Pathogenic for Ataxia-telangiectasia syndrome. Last evaluated: 2026-01-06. Review status: criteria provided, single submitter. Criteria: Invitae Variant Classification Sherloc (09022015). Collection method: clinical testing. Allele origin: germline.
Comment: This sequence change creates a premature translational stop signal (p.Glu874*) in the ATM gene. It is expected to result in an absent or disrupted protein product. Loss-of-function variants in ATM are known to be pathogenic (PMID: 23807571, 25614872). This variant is not present in population databases (gnomAD no frequency). This variant has not been reported in the literature in individuals affected with ATM-related conditions. ClinVar contains an entry for this variant (Variation ID: 575999). For these reasons, this variant has been classified as Pathogenic.

Fulgent Genetics
Classification: Likely pathogenic for Familial cancer of breast; Ataxia-telangiectasia syndrome. Last evaluated: 2024-05-15. Review status: criteria provided, single submitter. Criteria: ACMG Guidelines, 2015. Collection method: clinical testing. Allele origin: germline.

Myriad Genetics, Inc.
Classification: Pathogenic for Familial cancer of breast. Last evaluated: 2024-01-18. Review status: criteria provided, single submitter. Criteria: Myriad Autosomal Dominant, Autosomal Recessive and X-Linked Classification Criteria (2023). Collection method: clinical testing. Allele origin: unknown.
Comment: This variant is considered pathogenic. This variant creates a termination codon and is predicted to result in premature protein truncation.

Baylor Genetics
Classification: Likely pathogenic for Familial cancer of breast. Last evaluated: 2023-06-11. Review status: criteria provided, single submitter. Criteria: ACMG Guidelines, 2015. Collection method: clinical testing. Allele origin: unknown.

Literature cited by the submitters: PubMed 23807571 (cited by Labcorp Genetics (formerly Invitae), Labcorp); PubMed 25614872 (cited by Labcorp Genetics (formerly Invitae), Labcorp).